The following is an entry in ClinVar:

NM_000257.4(MYH7):c.3854-12G>A

Gene: MYH7 (myosin heavy chain 7; minus strand). Cytogenetic location: 14q11.2.
Variant type: single nucleotide variant.
Coding change: c.3854-12G>A on transcript NM_000257.4 (MANE Select); 12 bases into the intron before coding-DNA position 3854, G replaced by A.
Molecular consequence: intron variant.
Genome position (GRCh38, 1-based): chr14:23,419,307, C>T on the plus strand (G>A on the coding strand, the complement: MYH7 is on the minus strand). VCF-style: chr14-23419307-C-T. GRCh37 (hg19) VCF-style: chr14-23888516-C-T.
Other names: c.3854-12G>A (NM_001407004.1).
Identifiers: ClinVar variation 2888768 (VCV002888768.4), dbSNP rs2502260716, ClinGen allele CA2624229830.

ClinVar aggregate classification (germline): Likely benign. Review status: criteria provided, multiple submitters, no conflicts (2 of 4 stars). 2 submissions from 2 submitters: Likely benign (2). Last evaluated 2024-07-29.

Conditions:
Cardiomyopathy (CMYO). Also called: Cardiomyopathies. Identifiers: Orphanet 167848, MedGen C0878544, MONDO:0004994, HP:0001638. Inheritance: Various modes of inheritance.
Hypertrophic cardiomyopathy. Also called: HYPERTROPHIC MYOCARDIOPATHY. Identifiers: Orphanet 217569, MedGen C0007194, MeSH D002312, MONDO:0005045, HP:0001639.

gnomAD v4.1: 6 of 1,614,072 alleles (0.00037%); highest among the groups gnomAD compares: Non-Finnish European, 0.00051%; no homozygotes.

Submissions (2):

All of Us Research Program, National Institutes of Health
Classification: Likely benign for Cardiomyopathy. Last evaluated: 2024-07-29. Review status: criteria provided, single submitter. Criteria: ACMG Guidelines, 2015. Collection method: clinical testing. Allele origin: germline. Inheritance: Autosomal dominant inheritance. Observed: 1 variant allele, 1 heterozygote.
Comment: This study involves interpretation of variants in research participants for the purpose of population health screening. Participant phenotype was not available at the time of variant classification. Additional details can be found in publication PMID: 35346344, PMCID: PMC8962531

Labcorp Genetics (formerly Invitae), Labcorp
Classification: Likely benign for Hypertrophic cardiomyopathy. Last evaluated: 2023-11-14. Review status: criteria provided, single submitter. Criteria: Invitae Variant Classification Sherloc (09022015). Collection method: clinical testing. Allele origin: germline.